The following is an entry in ClinVar:

NM_015443.4(KANSL1):c.3238C>T (p.Pro1080Ser)

Gene: KANSL1 (KAT8 regulatory NSL complex subunit 1). Cytogenetic location: 17q21.31.
Variant type: single nucleotide variant.
Coding change: c.3238C>T on transcript NM_015443.4 (MANE Select); coding-DNA position 3238, C replaced by T.
Protein change: p.Pro1080Ser; replaces proline 1080 with serine.
Molecular consequence: missense variant.
Genome position (GRCh38, 1-based): chr17:46,031,556, G>A on the plus strand (C>T on the coding strand, the complement: KANSL1 is on the minus strand). VCF-style: chr17-46031556-G-A. GRCh37 (hg19) VCF-style: chr17-44108922-G-A.
Other names: c.3235C>T, p.Pro1079Ser (NM_001193465.2); c.3238C>T, p.Pro1080Ser (NM_001193466.2, NM_001379198.1); c.3238C>T (NM_001193466.1); short protein forms P1079S, P1080S.
Identifiers: ClinVar variation 1441586 (VCV001441586.11), dbSNP rs199769766, ClinGen allele CA8618339.

ClinVar aggregate classification (germline): Uncertain significance. Review status: criteria provided, multiple submitters, no conflicts (2 of 4 stars). 3 submissions from 3 submitters: Uncertain significance (3). Last evaluated 2024-05-20.

Conditions:
Koolen-de Vries syndrome (KDVS). Identifiers: Orphanet 96169, MedGen C1864871, MONDO:0012496, OMIM 610443.
Inborn genetic diseases. Identifiers: MedGen C0950123, MeSH D030342.

Allele frequency attached by ClinVar (database versions not stated): gnomAD 0.00001; gnomAD exomes 0.00001 and 0.00002; ExAC 0.00002; TOPMed 0.00002; ESP Exome Variant Server 0.00008.
gnomAD v4.1: 36 of 1,613,980 alleles (0.0022%); highest among the groups gnomAD compares: Non-Finnish European, 0.003%; no homozygotes.

Submissions (3):

Fulgent Genetics
Classification: Uncertain significance for Koolen-de Vries syndrome. Last evaluated: 2024-05-20. Review status: criteria provided, single submitter. Criteria: ACMG Guidelines, 2015. Collection method: clinical testing. Allele origin: germline.

Labcorp Genetics (formerly Invitae), Labcorp
Classification: Uncertain significance for Koolen-de Vries syndrome. Last evaluated: 2024-01-03. Review status: criteria provided, single submitter. Criteria: Invitae Variant Classification Sherloc (09022015). Collection method: clinical testing. Allele origin: germline.
Comment: This sequence change replaces proline, which is neutral and non-polar, with serine, which is neutral and polar, at codon 1080 of the KANSL1 protein (p.Pro1080Ser). This variant is present in population databases (rs199769766, gnomAD 0.003%). This variant has not been reported in the literature in individuals affected with KANSL1-related conditions. ClinVar contains an entry for this variant (Variation ID: 1441586). Advanced modeling of protein sequence and biophysical properties (such as structural, functional, and spatial information, amino acid conservation, physicochemical variation, residue mobility, and thermodynamic stability) performed at Invitae indicates that this missense variant is not expected to disrupt KANSL1 protein function with a negative predictive value of 80%. In summary, the available evidence is currently insufficient to determine the role of this variant in disease. Therefore, it has been classified as a Variant of Uncertain Significance.

Ambry Genetics
Classification: Uncertain significance for Inborn genetic diseases. Last evaluated: 2023-02-17. Review status: criteria provided, single submitter. Criteria: Ambry Variant Classification Scheme 2023. Collection method: clinical testing. Allele origin: germline.